The following is an entry in ClinVar:

ClinVar aggregate classification (germline): Uncertain significance (1 of 4 stars; one submission).

Conditions:
Joubert syndrome. Also called: CEREBELLOPARENCHYMAL DISORDER IV; JOUBERT-BOLTSHAUSER SYNDROME; Familial aplasia of the vermis. Identifiers: Orphanet 475, MedGen C5979921, MONDO:0018772.
Meckel-Gruber syndrome. Also called: DYSENCEPHALIA SPLANCHNOCYSTICA; GRUBER SYNDROME; Dysencephalia splachnocystica. Identifiers: Orphanet 564, MedGen C0265215, MONDO:0018921.

gnomAD v4.1: 11 of 1,560,256 alleles (0.00071%); highest among the groups gnomAD compares: Middle Eastern, 0.021%; no homozygotes.

Submission:

Labcorp Genetics (formerly Invitae), Labcorp
Classification: Uncertain significance for Joubert syndrome; Meckel-Gruber syndrome. Last evaluated: 2023-11-06. Review status: criteria provided, single submitter. Criteria: Invitae Variant Classification Sherloc (09022015). Collection method: clinical testing. Allele origin: germline.
Comment: This sequence change falls in intron 1 of the B9D1 gene. It does not directly change the encoded amino acid sequence of the B9D1 protein. It affects a nucleotide within the consensus splice site. This variant is not present in population databases (gnomAD no frequency). This variant has not been reported in the literature in individuals affected with B9D1-related conditions. ClinVar contains an entry for this variant (Variation ID: 2141718). Variants that disrupt the consensus splice site are a relatively common cause of aberrant splicing (PMID: 17576681, 9536098). Algorithms developed to predict the effect of sequence changes on RNA splicing suggest that this variant is not likely to affect RNA splicing. In summary, the available evidence is currently insufficient to determine the role of this variant in disease. Therefore, it has been classified as a Variant of Uncertain Significance.

Literature cited by the submitters: PubMed 17576681; PubMed 9536098.

NM_015681.6(B9D1):c.63+6C>A

Genes: B9D1 (B9 domain containing 1; minus strand), LOC130060455 (ATAC-STARR-seq lymphoblastoid silent region 8288; plus strand). Cytogenetic location: 17p11.2.
Variant type: single nucleotide variant.
Coding change: c.63+6C>A on transcript NM_015681.6 (MANE Select); 6 bases into the intron after coding-DNA position 63, C replaced by A.
Molecular consequence: intron variant.
Genome position (GRCh38, 1-based): chr17:19,362,501, G>T on the plus strand (C>A on the coding strand, the complement: B9D1 is on the minus strand). VCF-style: chr17-19362501-G-T. GRCh37 (hg19) VCF-style: chr17-19265814-G-T.
Other names: c.-297-2113C>A (NM_001368769.2); c.63+6C>A (NM_001321219.2, NM_001321218.2, NM_001321217.2 and 4 more transcripts).
Identifiers: ClinVar variation 2141718 (VCV002141718.4), dbSNP rs751608872, ClinGen allele CA288560910.
Genomic context (GRCh38, chr17:19,362,501, plus strand): 5'-GGGGTTGCGGGAAGGGCCCCGGGGGACGCTGGGGGGCGGGCCCCGGCGGGGTCCACGGCC[G>T]CTCACCTGGGCGCTCTCCACCTGCCCGTTGACCATGAGTAGAAAGACGCTAGGACTCGCG-3'